The following is an entry in ClinVar:

NM_001352514.2(HLCS):c.2476G>A (p.Ala826Thr)

Gene: HLCS (holocarboxylase synthetase; minus strand). Cytogenetic location: 21q22.13.
Variant type: single nucleotide variant.
Coding change: c.2476G>A on transcript NM_001352514.2 (MANE Select); coding-DNA position 2476, G replaced by A.
Protein change: p.Ala826Thr; replaces alanine 826 with threonine.
Molecular consequence: missense variant. On other transcripts: non-coding transcript variant (2).
Genome position (GRCh38, 1-based): chr21:36,754,392, C>T on the plus strand (G>A on the coding strand, the complement: HLCS is on the minus strand). VCF-style: chr21-36754392-C-T. GRCh37 (hg19) VCF-style: chr21-38126693-C-T.
Other names: c.2035G>A, p.Ala679Thr (NM_000411.8, NM_001242784.3, NM_001242785.2 and 4 more transcripts); short protein forms A679T, A826T.
Identifiers: ClinVar variation 839968 (VCV000839968.8), dbSNP rs376898721, ClinGen allele CA10020240.
Genomic context (GRCh38, chr21:36,754,392, plus strand): 5'-GGTGAACCTGGAGGAAGCCAGAATCGTCCAGGCCAACGATGGACACCTTTGGTCCCTCTG[C>T]GCTGCCCAGATGGACTTGCTGACCACTGAAAAGGAAGAACAGCGTGCGGTCACTGGGAGG-3'
Protein context (NP_001339443.1, residues 816-836): HSGQQVHLGS[Ala826Thr]EGPKVSIVGL

ClinVar aggregate classification (germline): Uncertain significance. Review status: criteria provided, single submitter (1 of 4 stars). 2 submissions from 2 submitters: Uncertain significance (1). 1 of the submissions does not count toward it. Last evaluated 2025-01-20.

Conditions:
Holocarboxylase synthetase deficiency. Also called: MULTIPLE CARBOXYLASE DEFICIENCY, EARLY ONSET. Identifiers: Orphanet 79242, MedGen C0268581, MONDO:0009666, OMIM 253270.

Allele frequency attached by ClinVar (database versions not stated): gnomAD 0.00001 and 0.00002; TOPMed 0.00002; gnomAD exomes 0.00004; ExAC 0.00005; ESP Exome Variant Server 0.00008.
gnomAD v4.1: 52 of 1,613,274 alleles (0.0032%); highest among the groups gnomAD compares: Middle Eastern, 0.016%; no homozygotes.

Submissions (2):

Labcorp Genetics (formerly Invitae), Labcorp
Classification: Uncertain significance for Holocarboxylase synthetase deficiency. Last evaluated: 2025-01-20. Review status: criteria provided, single submitter. Criteria: Invitae Variant Classification Sherloc (09022015). Collection method: clinical testing. Allele origin: germline.
Comment: This sequence change replaces alanine, which is neutral and non-polar, with threonine, which is neutral and polar, at codon 679 of the HLCS protein (p.Ala679Thr). This variant is present in population databases (rs376898721, gnomAD 0.02%). This variant has not been reported in the literature in individuals affected with HLCS-related conditions. ClinVar contains an entry for this variant (Variation ID: 839968). Invitae Evidence Modeling of protein sequence and biophysical properties (such as structural, functional, and spatial information, amino acid conservation, physicochemical variation, residue mobility, and thermodynamic stability) indicates that this missense variant is not expected to disrupt HLCS protein function with a negative predictive value of 95%. In summary, the available evidence is currently insufficient to determine the role of this variant in disease. Therefore, it has been classified as a Variant of Uncertain Significance.

Natera, Inc.
Classification: Uncertain significance for Holocarboxylase synthetase deficiency. Last evaluated: 2020-03-25. Review status: no assertion criteria provided. Collection method: clinical testing. Allele origin: germline. Not counted in ClinVar's aggregate classification.